The following is an entry in ClinVar:

NM_000540.3(RYR1):c.7855C>G (p.Leu2619Val)

Gene: RYR1 (ryanodine receptor 1; plus strand). Cytogenetic location: 19q13.2.
Variant type: single nucleotide variant.
Coding change: c.7855C>G on transcript NM_000540.3 (MANE Select); coding-DNA position 7855, C replaced by G.
Protein change: p.Leu2619Val; replaces leucine 2619 with valine.
Molecular consequence: missense variant.
Genome position (GRCh38, 1-based): chr19:38,502,899, C>G. VCF-style: chr19-38502899-C-G. GRCh37 (hg19) VCF-style: chr19-38993539-C-G.
Other names: c.7855C>G, p.Leu2619Val (NM_001042723.2); short protein forms L2619V.
Identifiers: ClinVar variation 1983707 (VCV001983707.1), dbSNP rs762212220, ClinGen allele CA405673653.

ClinVar aggregate classification (germline): Uncertain significance (1 of 4 stars; one submission).

Conditions:
RYR1-related disorder. Also called: RYR1-related condition; RYR1-related disorders. Identifiers: MedGen CN239331.

gnomAD v4.1: 3 of 1,611,718 alleles (0.00019%); highest among the groups gnomAD compares: East Asian, 0.0022%; no homozygotes.

Submission:

Labcorp Genetics (formerly Invitae), Labcorp
Classification: Uncertain significance for RYR1-related disorder. Last evaluated: 2022-03-31. Review status: criteria provided, single submitter. Criteria: Invitae Variant Classification Sherloc (09022015). Collection method: clinical testing. Allele origin: germline.
Comment: This sequence change replaces leucine, which is neutral and non-polar, with valine, which is neutral and non-polar, at codon 2619 of the RYR1 protein (p.Leu2619Val). This variant is present in population databases (no rsID available, gnomAD 0.006%). This variant has not been reported in the literature in individuals affected with RYR1-related conditions. Algorithms developed to predict the effect of missense changes on protein structure and function are either unavailable or do not agree on the potential impact of this missense change (SIFT: "Deleterious"; PolyPhen-2: "Benign"; Align-GVGD: "Class C0"). In summary, the available evidence is currently insufficient to determine the role of this variant in disease. Therefore, it has been classified as a Variant of Uncertain Significance.